The following is an entry in ClinVar:

ClinVar aggregate classification (germline): Uncertain significance (1 of 4 stars; one submission).

Conditions:
Progressive myoclonic epilepsy type 3. Also called: KCTD7-Related Progressive Myoclonic Epilepsy; EPILEPSY, PROGRESSIVE MYOCLONIC, 3, WITH OR WITHOUT INTRACELLULAR INCLUSIONS; CEROID LIPOFUSCINOSIS, NEURONAL, 14; EPILEPSY, PROGRESSIVE MYOCLONIC, 3, WITHOUT INTRACELLULAR INCLUSIONS. Identifiers: Orphanet 263516, MedGen C2673257, MONDO:0012721, OMIM 611726.

Allele frequency attached by ClinVar (database versions not stated): gnomAD 0.00001; gnomAD exomes 0.00001; TOPMed 0.00001; ExAC 0.00003.

Submission:

Labcorp Genetics (formerly Invitae), Labcorp
Classification: Uncertain significance for Progressive myoclonic epilepsy type 3. Last evaluated: 2020-11-21. Review status: criteria provided, single submitter. Criteria: Invitae Variant Classification Sherloc (09022015). Collection method: clinical testing. Allele origin: germline.
Comment: This variant has not been reported in the literature in individuals with KCTD7-related conditions. This sequence change replaces arginine with proline at codon 12 of the KCTD7 protein (p.Arg12Pro). The arginine residue is moderately conserved and there is a moderate physicochemical difference between arginine and proline. The frequency data for this variant in the population databases is considered unreliable, as metrics indicate poor data quality at this position in the ExAC database. Algorithms developed to predict the effect of missense changes on protein structure and function (SIFT, PolyPhen-2, Align-GVGD) all suggest that this variant is likely to be tolerated, but these predictions have not been confirmed by published functional studies and their clinical significance is uncertain. In summary, the available evidence is currently insufficient to determine the role of this variant in disease. Therefore, it has been classified as a Variant of Uncertain Significance.

NM_153033.5(KCTD7):c.35G>C (p.Arg12Pro)

Genes: KCTD7 (potassium channel tetramerization domain containing 7; plus strand), LOC129998533 (ATAC-STARR-seq lymphoblastoid silent region 18210; plus strand). Cytogenetic location: 7q11.21.
Variant type: single nucleotide variant.
Coding change: c.35G>C on transcript NM_153033.5 (MANE Select); coding-DNA position 35, G replaced by C.
Protein change: p.Arg12Pro; replaces arginine 12 with proline.
Molecular consequence: missense variant.
Genome position (GRCh38, 1-based): chr7:66,629,099, G>C. VCF-style: chr7-66629099-G-C. GRCh37 (hg19) VCF-style: chr7-66094086-G-C.
Other names: c.35G>C, p.Arg12Pro (NM_001167961.2); short protein forms R12P.
Identifiers: ClinVar variation 1405461 (VCV001405461.8), dbSNP rs763423181, ClinGen allele CA4278147.